The following is an entry in ClinVar:

NM_000363.5(TNNI3):c.547_548delinsGT (p.Lys183Val)

Gene: TNNI3 (troponin I3, cardiac type; minus strand). Cytogenetic location: 19q13.42.
Variant type: Indel.
Coding change: c.547_548delinsGT on transcript NM_000363.5 (MANE Select); coding-DNA positions 547 to 548, AA replaced by GT.
Protein change: p.Lys183Val; replaces lysine 183 with valine.
Molecular consequence: missense variant.
Genome position (GRCh38, 1-based): chr19:55,154,031-55,154,032, TT replaced by AC on the plus strand (AA replaced by GT on the coding strand, the reverse complement: TNNI3 is on the minus strand). VCF-style: chr19-55154031-TT-AC. GRCh37 (hg19) VCF-style: chr19-55665399-TT-AC.
Other names: short protein forms K183V.
Identifiers: ClinVar variation 1747743 (VCV001747743.2), dbSNP rs2515498208, ClinGen allele CA2580097804.

ClinVar aggregate classification (germline): Uncertain significance (1 of 4 stars; one submission).

Conditions:
Cardiovascular phenotype. Identifiers: MedGen CN230736.

Submission:

Ambry Genetics
Classification: Uncertain significance for Cardiovascular phenotype. Last evaluated: 2024-01-31. Review status: criteria provided, single submitter. Criteria: Ambry Variant Classification Scheme 2023. Collection method: clinical testing. Allele origin: germline.
Comment: The c.547_548delAAinsGT variant (also known as p.K183V), located in coding exon 7 of the TNNI3 gene, results from an in-frame deletion of AA and insertion of GT at nucleotide positions 547 to 548. This results in the substitution of the lysine residue for a valine residue at codon 183, an amino acid with similar properties. This amino acid position is well conserved in available vertebrate species. In addition, this alteration is predicted to be neutral by in silico analysis (Choi Y et al. PLoS ONE. 2012; 7(10):e46688). Based on the available evidence, the clinical significance of this alteration remains unclear.

Literature cited by the submitters: PubMed 15607392.